The following is an entry in ClinVar:

NM_001698.3(AUH):c.419-5T>G

Gene: AUH (AU RNA binding methylglutaconyl-CoA hydratase; minus strand). Cytogenetic location: 9q22.31.
Variant type: single nucleotide variant.
Coding change: c.419-5T>G on transcript NM_001698.3 (MANE Select); 5 bases into the intron before coding-DNA position 419, T replaced by G.
Molecular consequence: intron variant.
Genome position (GRCh38, 1-based): chr9:91,325,409, A>C on the plus strand (T>G on the coding strand, the complement: AUH is on the minus strand). VCF-style: chr9-91325409-A-C. GRCh37 (hg19) VCF-style: chr9-94087691-A-C.
Other names: c.419-27333T>G (NM_001306190.2); c.92-5T>G (NM_001351433.2, NM_001351431.2, NM_001351432.2).
Identifiers: ClinVar variation 1982159 (VCV001982159.4), dbSNP rs1352849159, ClinGen allele CA589435041.

ClinVar aggregate classification (germline): Uncertain significance (1 of 4 stars; one submission).

Conditions:
3-methylglutaconic aciduria type 1 (MGCA1). Identifiers: Orphanet 67046, MedGen C0342727, MONDO:0009610, OMIM 250950.

Allele frequency attached by ClinVar (database versions not stated): gnomAD exomes below 0.00001; TOPMed below 0.00001; gnomAD 0.00001.
gnomAD v4.1: 2 of 1,612,886 alleles (0.00012%); highest among the groups gnomAD compares: Non-Finnish European, 0.00017%; no homozygotes.

Submission:

Labcorp Genetics (formerly Invitae), Labcorp
Classification: Uncertain significance for 3-methylglutaconic aciduria type 1. Last evaluated: 2024-10-29. Review status: criteria provided, single submitter. Criteria: Invitae Variant Classification Sherloc (09022015). Collection method: clinical testing. Allele origin: germline.
Comment: This sequence change falls in intron 3 of the AUH gene. It does not directly change the encoded amino acid sequence of the AUH protein. This variant is present in population databases (no rsID available, gnomAD 0.0009%). This variant has not been reported in the literature in individuals affected with AUH-related conditions. ClinVar contains an entry for this variant (Variation ID: 1982159). Algorithms developed to predict the effect of sequence changes on RNA splicing suggest that this variant may disrupt the consensus splice site. In summary, the available evidence is currently insufficient to determine the role of this variant in disease. Therefore, it has been classified as a Variant of Uncertain Significance.